The following is an entry in ClinVar:

ClinVar aggregate classification (germline): Pathogenic. Review status: reviewed by expert panel (3 of 4 stars). 2 submissions from 2 submitters: Pathogenic (1). 1 of the submissions does not count toward it. Last evaluated 2019-07-14.

Conditions:
Phenylketonuria (PKU). Also called: Phenylketonuria (PKU); Phenylketonurias; OLIGOPHRENIA PHENYLPYRUVICA; FOLLING DISEASE. Identifiers: Orphanet 716, MedGen C0031485, MONDO:0009861, OMIM 261600. Disease mechanism: loss of function.

Submissions (2):

ClinGen PAH Variant Curation Expert Panel
Classification: Pathogenic for Phenylketonuria. Last evaluated: 2019-07-14. Review status: reviewed by expert panel. Criteria: ClinGen PAH ACMG Specifications v1. Collection method: curation. Allele origin: germline. Inheritance: Autosomal recessive inheritance.
Comment: The c.913_1199del (p.Ile306Leufs) variant in PAH has been previously reported in a proband with mild PKU; BH4 deficiency does not appear to have been excluded (PP4). It was found in trans (confirmed via paternal testing) with the known Pathogenic variant p.Glu390Gly (see ClinVar ID 625, PM3). The sequence change results a deletion involving exons 9, 10 and 11 leading to a frameshift variant in the in the canonical transcript of PAH, a gene fulfilling the most recent criteria for LOF being a known disease mechanism (see PMID: 30192042) (PVS1). It is absent from control databases (PM2). ). In summary, this variant meets criteria to be classified as pathogenic for PAH. PAH-specific ACMG/AMP criteria applied: PVS1, PM2, PM3, PP4.

OMIM
Classification: Pathogenic for PHENYLKETONURIA. Last evaluated: 1999-08-01. Review status: no assertion criteria provided. Collection method: literature only. Allele origin: germline. Not counted in ClinVar's aggregate classification.

Literature cited by the submitters: PubMed 10472529 (cited by ClinGen PAH Variant Curation Expert Panel and OMIM).

NM_000277.1(PAH):c.913_1199del (p.Ile306Leufs)

Genes: PAH (phenylalanine hydroxylase; minus strand), LOC126861615 (CDK7 strongly-dependent group 2 enhancer GRCh37_chr12:103244689-103245888; plus strand). Cytogenetic location: 12q23.2.
Variant type: Deletion.
Coding change: c.913_1199del on transcript NM_000277.1; coding-DNA positions 913 to 1199, 287 bases deleted.
Protein change: p.Ile306Leufs; shifts the reading frame from isoleucine 306.
Other names: NM_000277.1(PAH):c.913_1199del; EX9-11DEL; c.916_1202del (U49897.1).
Identifiers: ClinVar variation 637 (VCV000000637.83).